The following is an entry in ClinVar:

NM_032833.5(PPP1R15B):c.1073A>G (p.Gln358Arg)

Gene: PPP1R15B (protein phosphatase 1 regulatory subunit 15B; minus strand). Cytogenetic location: 1q32.1.
Variant type: single nucleotide variant.
Coding change: c.1073A>G on transcript NM_032833.5 (MANE Select); coding-DNA position 1073, A replaced by G.
Protein change: p.Gln358Arg; replaces glutamine 358 with arginine.
Molecular consequence: missense variant.
Genome position (GRCh38, 1-based): chr1:204,410,339, T>C on the plus strand (A>G on the coding strand, the complement: PPP1R15B is on the minus strand). VCF-style: chr1-204410339-T-C. GRCh37 (hg19) VCF-style: chr1-204379467-T-C.
Other names: short protein forms Q358R.
Identifiers: ClinVar variation 4764257 (VCV004764257.1).

ClinVar aggregate classification (germline): Uncertain significance (1 of 4 stars; one submission).

gnomAD v4.1: 1 of 1,614,182 alleles (0.000062%); no homozygotes.

Submission:

Labcorp Genetics (formerly Invitae), Labcorp
Classification: Uncertain significance. Last evaluated: 2026-01-03. Review status: criteria provided, single submitter. Criteria: Invitae Variant Classification Sherloc (09022015). Collection method: clinical testing. Allele origin: germline.
Comment: This sequence change replaces glutamine, which is neutral and polar, with arginine, which is basic and polar, at codon 358 of the PPP1R15B protein (p.Gln358Arg). This variant is not present in population databases (gnomAD no frequency). This variant has not been reported in the literature in individuals affected with PPP1R15B-related conditions. Invitae Evidence Modeling of protein sequence and biophysical properties (such as structural, functional, and spatial information, amino acid conservation, physicochemical variation, residue mobility, and thermodynamic stability) indicates that this missense variant is not expected to disrupt PPP1R15B protein function with a negative predictive value of 80%. In summary, the available evidence is currently insufficient to determine the role of this variant in disease. Therefore, it has been classified as a Variant of Uncertain Significance.